The following is an entry in ClinVar:

ClinVar aggregate classification (germline): Uncertain significance (1 of 4 stars; one submission).

Conditions:
Diamond-Blackfan anemia. Also called: Blackfan Diamond syndrome; Aregenerative anemia chronic congenital; Red cell aplasia, pure hereditary; Congenital hypoplastic anemia; Aase syndrome. Identifiers: Orphanet 124, MedGen C1260899, MeSH D029503, MONDO:0015253, HP:0004810.

Allele frequency attached by ClinVar (database versions not stated): gnomAD exomes below 0.00001; TOPMed below 0.00001.

Submission:

Labcorp Genetics (formerly Invitae), Labcorp
Classification: Uncertain significance for Diamond-Blackfan anemia. Last evaluated: 2023-11-27. Review status: criteria provided, single submitter. Criteria: Invitae Variant Classification Sherloc (09022015). Collection method: clinical testing. Allele origin: germline.
Comment: This sequence change replaces histidine, which is basic and polar, with tyrosine, which is neutral and polar, at codon 96 of the RPL26 protein (p.His96Tyr). This variant is present in population databases (no rsID available, gnomAD 0.01%). This variant has not been reported in the literature in individuals affected with RPL26-related conditions. ClinVar contains an entry for this variant (Variation ID: 2198523). An algorithm developed to predict the effect of missense changes on protein structure and function (PolyPhen-2) suggests that this variant is likely to be tolerated. In summary, the available evidence is currently insufficient to determine the role of this variant in disease. Therefore, it has been classified as a Variant of Uncertain Significance.

NM_000987.5(RPL26):c.286C>T (p.His96Tyr)

Gene: RPL26 (ribosomal protein L26; minus strand). Cytogenetic location: 17p13.1.
Variant type: single nucleotide variant.
Coding change: c.286C>T on transcript NM_000987.5 (MANE Select); coding-DNA position 286, C replaced by T.
Protein change: p.His96Tyr; replaces histidine 96 with tyrosine.
Molecular consequence: missense variant.
Genome position (GRCh38, 1-based): chr17:8,379,819, G>A on the plus strand (C>T on the coding strand, the complement: RPL26 is on the minus strand). VCF-style: chr17-8379819-G-A. GRCh37 (hg19) VCF-style: chr17-8283137-G-A.
Other names: c.286C>T, p.His96Tyr (NM_001315530.2, NM_001315531.2); short protein forms H96Y.
Identifiers: ClinVar variation 2198523 (VCV002198523.4), dbSNP rs1412383872, ClinGen allele CA398014559.